The following is an entry in ClinVar:

NM_022437.3(ABCG8):c.1974C>G (p.Tyr658Ter)

Gene: ABCG8 (ATP binding cassette subfamily G member 8; plus strand). Cytogenetic location: 2p21.
Variant type: single nucleotide variant.
Coding change: c.1974C>G on transcript NM_022437.3 (MANE Select); coding-DNA position 1974, C replaced by G.
Protein change: p.Tyr658Ter; replaces tyrosine 658 with a stop codon.
Molecular consequence: nonsense.
Genome position (GRCh38, 1-based): chr2:43,877,865, C>G. VCF-style: chr2-43877865-C-G. GRCh37 (hg19) VCF-style: chr2-44105004-C-G.
Other names: p.Tyr658*; c.1971C>G, p.Tyr657Ter (NM_001357321.2); c.1974C>G (NM_022437.2); short protein forms Y658*, Y657*.
Identifiers: ClinVar variation 4969 (VCV000004969.20), dbSNP rs137852989, ClinGen allele CA253362.

ClinVar aggregate classification (germline): Conflicting classifications of pathogenicity. Review status: criteria provided, conflicting classifications (1 of 4 stars). 9 submissions from 9 submitters: Pathogenic (2); Likely pathogenic (4); Uncertain significance (1). 2 of the submissions do not count toward it. Last evaluated 2026-01-05.

Conditions:
ABCG8-related disorder. Also called: ABCG8-related condition.
Sitosterolemia 1. Identifiers: MedGen C2749759, MONDO:0020747, OMIM 210250.
Cardiovascular phenotype. Identifiers: MedGen CN230736.
Sitosterolemia (STSL). Also called: PHYTOSTEROLEMIA. Identifiers: Orphanet 2882, MedGen C0342907, MONDO:0008863.

Allele frequency attached by ClinVar (database versions not stated): gnomAD 0.00007 and 0.00008; 1000 Genomes Project 30x 0.00016; ExAC 0.00002; gnomAD exomes 0.00002; TOPMed 0.00005; 1000 Genomes Project 0.00020.
gnomAD v4.1: 37 of 1,614,078 alleles (0.0023%); highest among the groups gnomAD compares: Admixed American, 0.018%; no homozygotes.

Submissions (9):

Labcorp Genetics (formerly Invitae), Labcorp
Classification: Pathogenic. Last evaluated: 2026-01-05. Review status: criteria provided, single submitter. Criteria: Invitae Variant Classification Sherloc (09022015). Collection method: clinical testing. Allele origin: germline.
Comment: This sequence change creates a premature translational stop signal (p.Tyr658*) in the ABCG8 gene. While this is not anticipated to result in nonsense mediated decay, it is expected to disrupt the last 16 amino acid(s) of the ABCG8 protein. This variant is present in population databases (rs137852989, gnomAD 0.02%). This premature translational stop signal has been observed in individuals with clinical features of ABCG8-related conditions (PMID: 11099417, 11452359, 31893465; internal data). ClinVar contains an entry for this variant (Variation ID: 4969). Algorithms developed to predict the effect of sequence changes on RNA splicing suggest that this variant may create or strengthen a splice site. For these reasons, this variant has been classified as Pathogenic.

Ambry Genetics
Classification: Likely pathogenic for Cardiovascular phenotype. Last evaluated: 2025-02-05. Review status: criteria provided, single submitter. Criteria: Ambry Variant Classification Scheme 2023. Collection method: clinical testing. Allele origin: germline.
Comment: The p.Y658* variant (also known as c.1974C>G), located in coding exon 13 of the ABCG8 gene, results from a C to G substitution at nucleotide position 1974. This changes the amino acid from a tyrosine to a stop codon within coding exon 13. This alteration occurs at the 3' terminus of theABCG8 gene, is not expected to trigger nonsense-mediated mRNA decay, and impacts the last 2.4% of the protein. However, premature stop codons are typically deleterious in nature. This variant has been identified in the homozygous state and/or in conjunction with other ABCG8 variant(s) in individual(s) with features consistent with sitosterolemia (Berge KE et al. Science, 2000 Dec;290:1771-5; Lu K et al. Am J Hum Genet, 2001 Aug;69:278-90; Mariano C et al. Clin Genet, 2020 Mar;97:457-466). This variant is considered to be rare based on population cohorts in the Genome Aggregation Database (gnomAD). Based on the majority of available evidence to date, this variant is likely to be pathogenic.

GeneDx
Classification: Likely pathogenic. Last evaluated: 2024-12-05. Review status: criteria provided, single submitter. Criteria: GeneDx Variant Classification Process June 2021. Collection method: clinical testing. Allele origin: germline. Affected: yes.
Comment: Observed in the homozygous state and with a pathogenic or likely pathogenic variant on the opposite allele (in trans) in patients with sitosterolemia in published literature (PMID: 31893465, 11099417, 11452359); Nonsense variant predicted to result in protein truncation as the last 16 amino acid(s) are lost; This variant is associated with the following publications: (PMID: 31589614, 11099417, 31893465, 11452359, 37647632)

Women's Health and Genetics/Laboratory Corporation of America, LabCorp
Classification: Pathogenic for Sitosterolemia. Last evaluated: 2024-08-05. Review status: criteria provided, single submitter. Criteria: LabCorp Variant Classification Summary - May 2015. Collection method: clinical testing. Allele origin: germline.
Comment: Variant summary: ABCG8 c.1974C>G (p.Tyr658X) results in a premature termination codon, predicted to cause a truncation of the encoded protein or absence of the protein. The variant allele was found at a frequency of 2.4e-05 in 251406 control chromosomes. c.1974C>G has been reported in the literature in individuals affected with Sitosterolemia (example: Mariano_2019 and Lu_2001). These data indicate that the variant is likely to be associated with disease. The following publications have been ascertained in the context of this evaluation (PMID: 11452359, 31893465, 35549507). ClinVar contains an entry for this variant (Variation ID: 4969). Based on the evidence outlined above, the variant was classified as pathogenic.

Mayo Clinic Laboratories, Mayo Clinic
Classification: Likely pathogenic. Last evaluated: 2024-07-01. Review status: criteria provided, single submitter. Criteria: ACMG Guidelines, 2015. Collection method: clinical testing. Allele origin: germline. Observed: 1 variant allele.
Comment: PM2, PM3, PVS1_strong

Revvity Omics, Revvity
Classification: Uncertain significance for Sitosterolemia 1. Last evaluated: 2022-01-25. Review status: criteria provided, single submitter. Criteria: ACMG Guidelines, 2015. Collection method: clinical testing. Allele origin: germline.

Eurofins Ntd Llc (ga)
Classification: Likely pathogenic. Last evaluated: 2017-05-25. Review status: criteria provided, single submitter. Criteria: EGL Classification Definitions 2015. Collection method: clinical testing. Allele origin: germline. Observed: 1 variant allele, 1 heterozygote.

PreventionGenetics, part of Exact Sciences
Classification: Likely pathogenic for ABCG8-related condition. Last evaluated: 2024-05-01. Review status: no assertion criteria provided. Collection method: clinical testing. Allele origin: germline. Not counted in ClinVar's aggregate classification.
Comment: The ABCG8 c.1974C>G variant is predicted to result in premature protein termination (p.Tyr658*). This variant has been reported in an individual with sitosterolemia, who also had a second ABCG8 premature termination variant (Berge et al. 2000. PubMed ID: 11099417). However, this variant is located just 15 amino acids upstream of the native termination codon, and no other premature termination variants have been reported downstream of this variant. This variant is reported in 0.014% of alleles in individuals of Latino descent in gnomAD. Nonsense variants in ABCG8 are expected to be pathogenic. This variant is interpreted as likely pathogenic.

OMIM
Classification: Pathogenic for SITOSTEROLEMIA 1. Last evaluated: 2000-12-01. Review status: no assertion criteria provided. Collection method: literature only. Allele origin: germline. Not counted in ClinVar's aggregate classification.

Literature cited by the submitters: PubMed 11099417 (cited by 4 submitters); PubMed 11452359 (cited by 4 submitters); PubMed 31893465 (cited by 4 submitters); PubMed 35549507 (cited by Women's Health and Genetics/Laboratory Corporation of America, LabCorp and Mayo Clinic Laboratories, Mayo Clinic); PubMed 12124998 (cited by Mayo Clinic Laboratories, Mayo Clinic); PubMed 20849526 (cited by Mayo Clinic Laboratories, Mayo Clinic); PubMed 28696550 (cited by Mayo Clinic Laboratories, Mayo Clinic); PubMed 31795497 (cited by Mayo Clinic Laboratories, Mayo Clinic).